The following is an entry in ClinVar:

ClinVar aggregate classification (germline): Pathogenic (1 of 4 stars; one submission).

Conditions:
Early-infantile DEE. Also called: Early infantile epileptic encephalopathy with suppression bursts; Early infantile epileptic encephalopathy; Ohtahara syndrome. Identifiers: Orphanet 1934, MedGen C0393706, MONDO:0800491.

Submission:

Labcorp Genetics (formerly Invitae), Labcorp
Classification: Pathogenic for Early-infantile DEE. Last evaluated: 2019-07-30. Review status: criteria provided, single submitter. Criteria: Invitae Variant Classification Sherloc (09022015). Collection method: clinical testing. Allele origin: germline.
Comment: For these reasons, this variant has been classified as Pathogenic. Loss-of-function variants in SCN1A are known to be pathogenic (PMID: 17347258, 18930999). This variant has not been reported in the literature in individuals with SCN1A-related disease. This variant is not present in population databases (ExAC no frequency). This sequence change creates a premature translational stop signal (p.Gly302Valfs*4) in the SCN1A gene. It is expected to result in an absent or disrupted protein product.

Literature cited by the submitters: PubMed 17347258; PubMed 18930999.

NM_001165963.4(SCN1A):c.905del (p.Gly302fs)

Gene: SCN1A (sodium voltage-gated channel alpha subunit 1; minus strand). Cytogenetic location: 2q24.3.
Variant type: Deletion.
Coding change: c.905del on transcript NM_001165963.4 (MANE Select); coding-DNA position 905, one base deleted (G; older notation c.905delG).
Protein change: p.Gly302fs; shifts the reading frame from glycine 302.
Molecular consequence: frameshift variant. On other transcripts: 5 prime UTR variant (1), non-coding transcript variant (1).
Genome position (GRCh38, 1-based): chr2:166,051,778, C deleted on the plus strand (G on the coding strand, the reverse complement: SCN1A is on the minus strand); the first of 2 consecutive C bases (chr2:166,051,778-166,051,779); deleting either gives the same sequence. VCF-style (leftmost placement, unchanged base first): chr2-166051777-AC-A. GRCh37 (hg19) VCF-style: chr2-166908287-AC-A.
Other names: c.905del, p.Gly302fs (NM_001165964.3, NM_001202435.3, NM_001353948.2 and 10 more transcripts); c.-1521del (NM_001353961.2); c.905del (NM_001165963.1); short protein forms G302fs.
Identifiers: ClinVar variation 648952 (VCV000648952.9), dbSNP rs1574263819, ClinGen allele CA915942924.